The following is an entry in ClinVar:

ClinVar aggregate classification (germline): Likely pathogenic (1 of 4 stars; one submission).

Submission:

Mayo Clinic Laboratories, Mayo Clinic
Classification: Likely pathogenic. Last evaluated: 2024-12-05. Review status: criteria provided, single submitter. Criteria: ACMG Guidelines, 2015. Collection method: clinical testing. Allele origin: germline. Observed: 1 variant allele.
Comment: PM2_supporting, PVS1

NM_001376013.1(EPB41):c.2132_2133del (p.His711fs)

Gene: EPB41 (erythrocyte membrane protein band 4.1; plus strand). Cytogenetic location: 1p35.3.
Variant type: Deletion.
Coding change: c.2132_2133del on transcript NM_001376013.1 (MANE Select); coding-DNA positions 2132 to 2133, 2 bases deleted (AC; older notation c.2132_2133delAC).
Protein change: p.His711fs; shifts the reading frame from histidine 711.
Molecular consequence: frameshift variant.
Genome position (GRCh38, 1-based): chr1:29,065,106-29,065,107, AC deleted; deleting any 2 consecutive bases within chr1:29,065,105-29,065,107 gives the same sequence; the c. name uses the placement nearest the transcript's 3' end. VCF-style (leftmost placement, unchanged base first): chr1-29065104-TCA-T. GRCh37 (hg19) VCF-style: chr1-29391616-TCA-T.
Other names: p.His711Leufs*7; c.2132_2133del, p.His711fs (NM_001376019.1, NM_001166005.2, NM_001376016.1 and 1 more transcripts); c.2129_2130del, p.His710fs (NM_001376020.1, NM_001376018.1); c.1970_1971del, p.His657fs (NM_001376021.1); c.1505_1506del, p.His502fs (NM_001376022.1, NM_001376023.1, NM_001376024.1 and 1 more transcripts); c.1397_1398del, p.His466fs (NM_001376026.1); c.1343_1344del, p.His448fs (NM_001376027.1, NM_001166007.2); c.1340_1341del, p.His447fs (NM_001376028.1); and 5 more; short protein forms H447fs, H469fs, H488fs, H697fs, H622fs, H676fs, H710fs, H466fs.
Identifiers: ClinVar variation 4540966 (VCV004540966.1).
Genomic context (GRCh38, chr1:29,065,104, plus strand): 5'-GAACTTCATGGAGTCTGTACCAGAACCACGGCCTAGTGAATGGGATAAACGCTTATCCAC[TCA>T]CTCACCCTTCCGAACTCTTAACATCAATGGGCAAATCCCCACAGGAGAAGGAGTGAGTAC-3'